The following is an entry in ClinVar:

ClinVar aggregate classification (germline): Likely benign (1 of 4 stars; one submission).

Submission:

CeGaT Center for Human Genetics Tuebingen
Classification: Likely benign. Last evaluated: 2022-06-01. Review status: criteria provided, single submitter. Criteria: CeGaT Center For Human Genetics Tuebingen Variant Classification Criteria Version 2. Collection method: clinical testing. Allele origin: germline. Affected: yes. Observed: 1 variant allele.
Comment: MBOAT7: PM2:Supporting, BP4, BP7

NM_024298.5(MBOAT7):c.1350C>A (p.Gly450=)

Gene: MBOAT7 (membrane bound acylglycerophosphatidylinositol O-acyltransferase MBOAT7; minus strand). Cytogenetic location: 19q13.42.
Variant type: single nucleotide variant.
Coding change: c.1350C>A on transcript NM_024298.5 (MANE Select); coding-DNA position 1350, C replaced by A.
Protein change: p.Gly450=; no amino-acid change (glycine 450 retained).
Molecular consequence: synonymous variant.
Genome position (GRCh38, 1-based): chr19:54,174,113, G>T on the plus strand (C>A on the coding strand, the complement: MBOAT7 is on the minus strand). VCF-style: chr19-54174113-G-T. GRCh37 (hg19) VCF-style: chr19-54677807-G-T.
Other names: c.1131C>A, p.Gly377= (NM_001146056.3, NM_001146083.3).
Identifiers: ClinVar variation 2650423 (VCV002650423.24), dbSNP rs2515033640, ClinGen allele CA2587020273.